The following is an entry in ClinVar:

ClinVar aggregate classification (germline): Likely pathogenic (1 of 4 stars; one submission).

Submission:

Mayo Clinic Laboratories, Mayo Clinic
Classification: Likely pathogenic. Last evaluated: 2023-05-02. Review status: criteria provided, single submitter. Criteria: ACMG Guidelines, 2015. Collection method: clinical testing. Allele origin: germline. Observed: 1 variant allele.
Comment: PM2, PVS1

NM_001371623.1(TCOF1):c.37del (p.Pro12_Leu13insTer)

Genes: TCOF1 (treacle ribosome biogenesis factor 1; plus strand), LOC129994985 (ATAC-STARR-seq lymphoblastoid silent region 16507; plus strand). Cytogenetic location: 5q32.
Variant type: Deletion.
Coding change: c.37del on transcript NM_001371623.1 (MANE Select); coding-DNA position 37, one base deleted (C; older notation c.37delC).
Protein change: p.Pro12_Leu13insTer.
Molecular consequence: nonsense.
Genome position (GRCh38, 1-based): chr5:150,357,783, C deleted; the last of 4 consecutive C bases (chr5:150,357,780-150,357,783); deleting any one gives the same sequence. VCF-style (leftmost placement, unchanged base first): chr5-150357779-TC-T. GRCh37 (hg19) VCF-style: chr5-149737342-TC-T.
Other names: p.Leu13*; c.37del, p.Pro12_Leu13insTer (NM_000356.4, NM_001008657.3, NM_001135243.2 and 3 more transcripts).
Identifiers: ClinVar variation 2683611 (VCV002683611.1), dbSNP rs2532517387, ClinGen allele CA2697546544.
Genomic context (GRCh38, chr5:150,357,779, plus strand): 5'-GGTAGCCGGCCGGCCGGGGGTCGCGGGTATGGCCGAGGCCAGGAAGCGGCGGGAGCTACT[TC>T]CCCTGATCTACCACCATCTGCTGCGGGCTGGCTATGTGCGTGCGGCGCGGGAAGTGAAGG-3'